The following is an entry in ClinVar:

NM_004168.4(SDHA):c.266G>A (p.Cys89Tyr)

Gene: SDHA (succinate dehydrogenase complex flavoprotein subunit A; plus strand). Cytogenetic location: 5p15.33.
Variant type: single nucleotide variant.
Coding change: c.266G>A on transcript NM_004168.4 (MANE Select); coding-DNA position 266, G replaced by A.
Protein change: p.Cys89Tyr; replaces cysteine 89 with tyrosine.
Molecular consequence: missense variant.
Genome position (GRCh38, 1-based): chr5:224,475, G>A. VCF-style: chr5-224475-G-A. GRCh37 (hg19) VCF-style: chr5-224590-G-A.
Other names: c.266G>A, p.Cys89Tyr (NM_001294332.2, NM_001330758.2); short protein forms C89Y.
Identifiers: ClinVar variation 1056465 (VCV001056465.13), dbSNP rs138016874, ClinGen allele CA112814694.

ClinVar aggregate classification (germline): Uncertain significance. Review status: criteria provided, multiple submitters, no conflicts (2 of 4 stars). 3 submissions from 3 submitters: Uncertain significance (3). Last evaluated 2026-02-17.

Conditions:
Mitochondrial complex II deficiency, nuclear type 1. Also called: SUCCINATE CoQ REDUCTASE DEFICIENCY. Identifiers: Orphanet 3208, MedGen C5700310, MONDO:0100294, OMIM 252011.
Pheochromocytoma/paraganglioma syndrome 5. Also called: Paragangliomas 5; SDHA-Related Hereditary Paraganglioma-Pheochromocytoma Syndrome. Identifiers: Orphanet 29072, MedGen C3279992, MONDO:0013602, OMIM 614165.
Hereditary cancer-predisposing syndrome. Also called: Tumor predisposition; Hereditary neoplastic syndrome; Neoplastic Syndromes, Hereditary; Hereditary Cancer Syndrome. Identifiers: Orphanet 140162, MedGen C0027672, MeSH D009386, MONDO:0015356.
Dilated cardiomyopathy 1GG (CMD1GG). Identifiers: Orphanet 154, MedGen C3150898, MONDO:0013339, OMIM 613642.

Allele frequency attached by ClinVar (database versions not stated): ESP Exome Variant Server 0.00008.

Submissions (3):

Ambry Genetics
Classification: Uncertain significance for Hereditary cancer-predisposing syndrome. Last evaluated: 2026-02-17. Review status: criteria provided, single submitter. Criteria: Ambry Variant Classification Scheme 2023. Collection method: clinical testing. Allele origin: germline.
Comment: The p.C89Y variant (also known as c.266G>A), located in coding exon 3 of the SDHA gene, results from a G to A substitution at nucleotide position 266. The cysteine at codon 89 is replaced by tyrosine, an amino acid with highly dissimilar properties. This amino acid position is conserved. In addition, this alteration is predicted to be deleterious by in silico analysis. Based on the available evidence, the clinical significance of this variant remains unclear.

Baylor Genetics
Classification: Uncertain significance for Dilated cardiomyopathy 1GG. Last evaluated: 2023-10-03. Review status: criteria provided, single submitter. Criteria: ACMG Guidelines, 2015. Collection method: clinical testing. Allele origin: unknown.

Labcorp Genetics (formerly Invitae), Labcorp
Classification: Uncertain significance for Pheochromocytoma/paraganglioma syndrome 5; Mitochondrial complex II deficiency, nuclear type 1. Last evaluated: 2022-06-17. Review status: criteria provided, single submitter. Criteria: Invitae Variant Classification Sherloc (09022015). Collection method: clinical testing. Allele origin: germline.
Comment: ClinVar contains an entry for this variant (Variation ID: 1056465). In summary, the available evidence is currently insufficient to determine the role of this variant in disease. Therefore, it has been classified as a Variant of Uncertain Significance. Algorithms developed to predict the effect of missense changes on protein structure and function are either unavailable or do not agree on the potential impact of this missense change (SIFT: "Deleterious"; PolyPhen-2: "Probably Damaging"; Align-GVGD: "Class C0"). This variant has not been reported in the literature in individuals affected with SDHA-related conditions. This variant is not present in population databases (gnomAD no frequency). This sequence change replaces cysteine, which is neutral and slightly polar, with tyrosine, which is neutral and polar, at codon 89 of the SDHA protein (p.Cys89Tyr).